The following is an entry in ClinVar:

NM_001365951.3(KIF1B):c.3541G>A (p.Val1181Met)

Gene: KIF1B (kinesin family member 1B; plus strand). Cytogenetic location: 1p36.22.
Variant type: single nucleotide variant.
Coding change: c.3541G>A on transcript NM_001365951.3 (MANE Select); coding-DNA position 3541, G replaced by A.
Protein change: p.Val1181Met; replaces valine 1181 with methionine.
Molecular consequence: missense variant.
Genome position (GRCh38, 1-based): chr1:10,342,077, G>A. VCF-style: chr1-10342077-G-A. GRCh37 (hg19) VCF-style: chr1-10402135-G-A.
Other names: c.3541G>A, p.Val1181Met (NM_001365952.1); c.3403G>A, p.Val1135Met (NM_015074.3); short protein forms V1135M, V1181M.
Identifiers: ClinVar variation 3288399 (VCV003288399.2).

ClinVar aggregate classification (germline): Uncertain significance. Review status: criteria provided, multiple submitters, no conflicts (2 of 4 stars). 2 submissions from 2 submitters: Uncertain significance (2). Last evaluated 2024-06-12.

Conditions:
Neuroblastoma, susceptibility to, 1. Identifiers: MedGen C2749485, MONDO:0009741, OMIM 256700.
Charcot-Marie-Tooth disease type 2A1. Also called: CHARCOT-MARIE-TOOTH DISEASE, AXONAL, TYPE 2A1; CHARCOT-MARIE-TOOTH DISEASE, AXONAL, AUTOSOMAL DOMINANT, TYPE 2A1; CHARCOT-MARIE-TOOTH DISEASE, NEURONAL, TYPE 2A1; CHARCOT-MARIE-TOOTH NEUROPATHY, TYPE 2A1; HEREDITARY MOTOR AND SENSORY NEUROPATHY IIA1. Identifiers: Orphanet 99946, MedGen C1861678, MONDO:0007308, OMIM 118210.

Submissions (2):

Fulgent Genetics
Classification: Uncertain significance for Charcot-Marie-Tooth disease type 2A1; Neuroblastoma, susceptibility to, 1. Last evaluated: 2024-06-12. Review status: criteria provided, single submitter. Criteria: ACMG Guidelines, 2015. Collection method: clinical testing. Allele origin: germline.

Ambry Genetics
Classification: Uncertain significance. Last evaluated: 2024-03-18. Review status: criteria provided, single submitter. Criteria: Ambry Variant Classification Scheme 2023. Collection method: clinical testing. Allele origin: germline.
Comment: The p.V1135M variant (also known as c.3403G>A), located in coding exon 30 of the KIF1B gene, results from a G to A substitution at nucleotide position 3403. The valine at codon 1135 is replaced by methionine, an amino acid with highly similar properties. This amino acid position is conserved. In addition, this alteration is predicted to be tolerated by in silico analysis. Based on the available evidence, the clinical significance of this alteration remains unclear.